The following is an entry in ClinVar:

ClinVar aggregate classification (germline): Likely benign. Review status: criteria provided, multiple submitters, no conflicts (2 of 4 stars). 3 submissions from 3 submitters: Likely benign (2). 1 of the submissions does not count toward it. Last evaluated 2023-12-15.

Conditions:
PCDH15-related disorder. Also called: PCDH15-related condition; PCDH15-related disorders.

Allele frequency attached by ClinVar (database versions not stated): gnomAD 0.00032 and 0.00044; gnomAD exomes 0.00034 and 0.00094; ExAC 0.00089; 1000 Genomes Project 30x 0.00172; 1000 Genomes Project 0.00200.
gnomAD v4.1: 554 of 1,613,634 alleles (0.034%); highest among the groups gnomAD compares: East Asian, 1.2%; 2 homozygotes.

Submissions (3):

Blueprint Genetics
Classification: Likely benign. Last evaluated: 2023-12-15. Review status: criteria provided, single submitter. Criteria: ACMG Guidelines, 2015. Collection method: clinical testing. Allele origin: germline.

GeneDx
Classification: Likely benign. Last evaluated: 2018-09-28. Review status: criteria provided, single submitter. Criteria: GeneDx Variant Classification Process June 2021. Collection method: clinical testing. Allele origin: germline. Affected: yes.

PreventionGenetics, part of Exact Sciences
Classification: Benign for PCDH15-related condition. Last evaluated: 2019-06-21. Review status: no assertion criteria provided. Collection method: clinical testing. Allele origin: germline. Not counted in ClinVar's aggregate classification.
Comment: This variant is classified as benign based on ACMG/AMP sequence variant interpretation guidelines (Richards et al. 2015 PMID: 25741868, with internal and published modifications).

NM_001384140.1(PCDH15):c.4803C>T (p.Gly1601=)

Gene: PCDH15 (protocadherin related 15; minus strand). Cytogenetic location: 10q21.1.
Variant type: single nucleotide variant.
Coding change: c.4803C>T on transcript NM_001384140.1 (MANE Select); coding-DNA position 4803, C replaced by T.
Protein change: p.Gly1601=; no amino-acid change (glycine 1601 retained).
Molecular consequence: synonymous variant.
Genome position (GRCh38, 1-based): chr10:53,806,999, G>A on the plus strand (C>T on the coding strand, the complement: PCDH15 is on the minus strand). VCF-style: chr10-53806999-G-A. GRCh37 (hg19) VCF-style: chr10-55566759-G-A.
Other names: c.4629C>T, p.Gly1543= (NM_001142771.2); c.4614C>T, p.Gly1538= (NM_001142772.2); c.4608C>T, p.Gly1536= (NM_001354420.2); c.4737C>T, p.Gly1579= (NM_001354429.2); c.4737C>T (NM_001354429.1).
Identifiers: ClinVar variation 1194755 (VCV001194755.5), dbSNP rs190105984, ClinGen allele CA5504602.